The following is an entry in ClinVar:

ClinVar aggregate classification (germline): Uncertain significance (1 of 4 stars; one submission).

Conditions:
Nemaline myopathy 10 (NEM10). Identifiers: MedGen C4015360, MONDO:0014513, OMIM 616165.

Allele frequency attached by ClinVar (database versions not stated): gnomAD exomes below 0.00001 and 0.00001; TOPMed 0.00002.
gnomAD v4.1: 2 of 1,613,834 alleles (0.00012%); highest among the groups gnomAD compares: Admixed American, 0.0033%; no homozygotes.

Submission:

Labcorp Genetics (formerly Invitae), Labcorp
Classification: Uncertain significance for Nemaline myopathy 10. Last evaluated: 2022-06-20. Review status: criteria provided, single submitter. Criteria: Invitae Variant Classification Sherloc (09022015). Collection method: clinical testing. Allele origin: germline.
Comment: This sequence change replaces glutamic acid, which is acidic and polar, with glycine, which is neutral and non-polar, at codon 412 of the LMOD3 protein (p.Glu412Gly). This variant is present in population databases (no rsID available, gnomAD 0.006%). This variant has not been reported in the literature in individuals affected with LMOD3-related conditions. ClinVar contains an entry for this variant (Variation ID: 1035718). Algorithms developed to predict the effect of missense changes on protein structure and function (SIFT, PolyPhen-2, Align-GVGD) all suggest that this variant is likely to be disruptive. In summary, the available evidence is currently insufficient to determine the role of this variant in disease. Therefore, it has been classified as a Variant of Uncertain Significance.

NM_198271.5(LMOD3):c.1235A>G (p.Glu412Gly)

Gene: LMOD3 (leiomodin 3; minus strand). Cytogenetic location: 3p14.1.
Variant type: single nucleotide variant.
Coding change: c.1235A>G on transcript NM_198271.5 (MANE Select); coding-DNA position 1235, A replaced by G.
Protein change: p.Glu412Gly; replaces glutamic acid 412 with glycine.
Molecular consequence: missense variant.
Genome position (GRCh38, 1-based): chr3:69,119,120, T>C on the plus strand (A>G on the coding strand, the complement: LMOD3 is on the minus strand). VCF-style: chr3-69119120-T-C. GRCh37 (hg19) VCF-style: chr3-69168271-T-C.
Other names: c.1235A>G, p.Glu412Gly (NM_001304418.3); short protein forms E412G.
Identifiers: ClinVar variation 1035718 (VCV001035718.2), dbSNP rs962387541, ClinGen allele CA76452569.